The following is an entry in ClinVar:

NM_002734.5(PRKAR1A):c.569G>A (p.Trp190Ter)

Gene: PRKAR1A (protein kinase cAMP-dependent type I regulatory subunit alpha; plus strand). Cytogenetic location: 17q24.2.
Variant type: single nucleotide variant.
Coding change: c.569G>A on transcript NM_002734.5 (MANE Select); coding-DNA position 569, G replaced by A.
Protein change: p.Trp190Ter; replaces tryptophan 190 with a stop codon.
Molecular consequence: nonsense.
Genome position (GRCh38, 1-based): chr17:68,525,773, G>A. VCF-style: chr17-68525773-G-A. GRCh37 (hg19) VCF-style: chr17-66521914-G-A.
Other names: c.569G>A, p.Trp190Ter (NM_001276289.2, NM_001276290.1, NM_001278433.2 and 4 more transcripts); short protein forms W190*.
Identifiers: ClinVar variation 2578197 (VCV002578197.3), dbSNP rs2509418693, ClinGen allele CA400753092.
Genomic context (GRCh38, chr17:68,525,773, plus strand): 5'-TATCTAGAAAATAAACTTTTTTGATGTCACTTGCACTTTAGGTCTATGTTAACAATGAAT[G>A]GGCAACCAGTGTTGGGGAAGGAGGGAGCTTTGGAGAACTTGCTTTGATTTATGGAACACC-3'

ClinVar aggregate classification (germline): Pathogenic/Likely pathogenic. Review status: criteria provided, multiple submitters, no conflicts (2 of 4 stars). 2 submissions from 2 submitters: Pathogenic (1); Likely pathogenic (1). Last evaluated 2025-10-30.

Conditions:
Hereditary cancer-predisposing syndrome. Also called: Tumor predisposition; Hereditary neoplastic syndrome; Neoplastic Syndromes, Hereditary; Hereditary Cancer Syndrome. Identifiers: Orphanet 140162, MedGen C0027672, MeSH D009386, MONDO:0015356.

Submissions (2):

GeneDx
Classification: Likely pathogenic. Last evaluated: 2025-10-30. Review status: criteria provided, single submitter. Criteria: GeneDx Variant Classification Process June 2021. Collection method: clinical testing. Allele origin: germline. Affected: yes.
Comment: Nonsense variant predicted to result in protein truncation or nonsense mediated decay in a gene for which loss of function is a known mechanism of disease; Not observed at significant frequency in large population cohorts (gnomAD); Observed in individuals with features of Carney Complex (Bertherat et al., 2009; Correa et al., 2015); This variant is associated with the following publications: (PMID: 25525159, 26130139, 19293268)

Ambry Genetics
Classification: Pathogenic for Hereditary cancer-predisposing syndrome. Last evaluated: 2025-08-04. Review status: criteria provided, single submitter. Criteria: Ambry Variant Classification Scheme 2023. Collection method: clinical testing. Allele origin: germline.
Comment: The p.W190* pathogenic mutation (also known as c.569G>A), located in coding exon 6 of the PRKAR1A gene, results from a G to A substitution at nucleotide position 569. This changes the amino acid from a tryptophan to a stop codon within coding exon 6. This alteration is expected to result in loss of function by premature protein truncation or nonsense-mediated mRNA decay. Loss-of-function variants subject to nonsense mediated decay (NMD) in PRKAR1A are known to cause Carney complex; however, such associations with acrodysostosis have not been reported (Michot. et al. Eur J Hum Genet 26, 1611&ndash;1622 (2018); Bertherat J et al. J Clin Endocrinol Metab. 2009 Jun;94(6):2085-91; Jafari N et al. Proc Natl Acad Sci U S A. 2021 May 25;118(21):e2024716118). Based on the supporting evidence, this alteration is pathogenic for Carney complex; however, the association of this alteration with acrodysostosis is unlikely.